The following is an entry in ClinVar:

NM_000051.4(ATM):c.5675-92_5675-81del

Gene: ATM (ATM serine/threonine kinase; plus strand). Cytogenetic location: 11q22.3.
Variant type: Deletion.
Coding change: c.5675-92_5675-81del on transcript NM_000051.4 (MANE Select); 92 bases into the intron before coding-DNA position 5675 through 81 bases into the intron before coding-DNA position 5675, 12 bases deleted (TAGCATAGTGGG).
Molecular consequence: intron variant.
Genome position (GRCh38, 1-based): chr11:108,307,805-108,307,816, TAGCATAGTGGG deleted. VCF-style (leftmost placement, unchanged base first): chr11-108307804-ATAGCATAGTGGG-A. GRCh37 (hg19) VCF-style: chr11-108178531-ATAGCATAGTGGG-A.
Other names: c.5675-92_5675-81del (NM_001351834.2).
Identifiers: ClinVar variation 3131076 (VCV003131076.1), dbSNP rs2547003124, ClinGen allele CA2825001915.

ClinVar aggregate classification (germline): Uncertain significance (1 of 4 stars; one submission).

Conditions:
Hereditary cancer-predisposing syndrome. Also called: Neoplastic Syndromes, Hereditary; Tumor predisposition; Hereditary neoplastic syndrome; Hereditary Cancer Syndrome. Identifiers: Orphanet 140162, MedGen C0027672, MeSH D009386, MONDO:0015356.

Submission:

Ambry Genetics
Classification: Uncertain significance for Hereditary cancer-predisposing syndrome. Last evaluated: 2020-01-16. Review status: criteria provided, single submitter. Criteria: Ambry Variant Classification Scheme 2023. Collection method: clinical testing. Allele origin: germline.
Comment: The c.5675-92_5675-81del12 alteration is located in Intron 37 (E) of the ATM gene. This alteration consists of a deletion of 12 nucleotides at nucleotide position c.5675-92 Intron 37 (E). Based on insufficient or conflicting evidence, the clinical significance of this alteration remains unclear.